The following is an entry in ClinVar:

NM_178857.6(RP1L1):c.4044A>G (p.Gly1348=)

Gene: RP1L1 (RP1 like 1). Cytogenetic location: 8p23.1.
Variant type: single nucleotide variant.
Coding change: c.4044A>G on transcript NM_178857.6 (MANE Select); coding-DNA position 4044, A replaced by G.
Protein change: p.Gly1348=; no amino-acid change (glycine 1348 retained).
Molecular consequence: synonymous variant.
Genome position (GRCh38, 1-based): chr8:10,610,054, T>C on the plus strand (A>G on the coding strand, the complement: RP1L1 is on the minus strand). VCF-style: chr8-10610054-T-C. GRCh37 (hg19) VCF-style: chr8-10467564-T-C.
Identifiers: ClinVar variation 911192 (VCV000911192.7), dbSNP rs13253055, ClinGen allele CA4624176.

ClinVar aggregate classification (germline): Benign/Likely benign. Review status: criteria provided, multiple submitters, no conflicts (2 of 4 stars). 3 submissions from 3 submitters: Benign (1); Likely benign (2). Last evaluated 2024-11-25.

Conditions:
Occult macular dystrophy (OCMD). Also called: OCCULT MACULAR DYSTROPHY, SUSCEPTIBILITY TO; OMD. Identifiers: Orphanet 247834, MedGen C3150833, MONDO:0013316, OMIM 613587, HP:0030636.

Allele frequency attached by ClinVar (database versions not stated): gnomAD exomes 0.00029 and 0.00071; ExAC 0.00108; gnomAD 0.00321 and 0.00337.

Submissions (3):

Blueprint Genetics
Classification: Likely benign. Last evaluated: 2024-11-25. Review status: criteria provided, single submitter. Criteria: ACMG Guidelines, 2015. Collection method: clinical testing. Allele origin: germline.

GeneDx
Classification: Likely benign. Last evaluated: 2018-08-16. Review status: criteria provided, single submitter. Criteria: GeneDx Variant Classification Process June 2021. Collection method: clinical testing. Allele origin: germline. Affected: yes.

Illumina Laboratory Services, Illumina
Classification: Benign for Occult macular dystrophy. Last evaluated: 2018-01-13. Review status: criteria provided, single submitter. Criteria: ICSL Variant Classification Criteria 13 December 2019. Collection method: clinical testing. Allele origin: germline.
Comment: This variant was observed in the ICSL laboratory as part of a predisposition screen in an ostensibly healthy population. It had not been previously curated by ICSL or reported in the Human Gene Mutation Database (HGMD: prior to June 1st, 2018), and was therefore a candidate for classification through an automated scoring system. Utilizing variant allele frequency, disease prevalence and penetrance estimates, and inheritance mode, an automated score was calculated to assess if this variant is too frequent to cause the disease. Based on the score and internal cut-off values, a variant classified as benign is not then subjected to further curation. The score for this variant resulted in a classification of benign for this disease.